The following is an entry in ClinVar:

NM_001127222.2(CACNA1A):c.4250+16C>T

Genes: CACNA1A (calcium voltage-gated channel subunit alpha1 A; minus strand), LOC126862864 (MED14-independent group 3 enhancer GRCh37_chr19:13371552-13372751; plus strand). Cytogenetic location: 19p13.13.
Variant type: single nucleotide variant.
Coding change: c.4250+16C>T on transcript NM_001127222.2 (MANE Select); 16 bases into the intron after coding-DNA position 4250, C replaced by T.
Molecular consequence: intron variant.
Genome position (GRCh38, 1-based): chr19:13,261,434, G>A on the plus strand (C>T on the coding strand, the complement: CACNA1A is on the minus strand). VCF-style: chr19-13261434-G-A. GRCh37 (hg19) VCF-style: chr19-13372248-G-A.
Other names: c.4253+16C>T (NM_001127221.2, NM_001174080.2); c.4262+16C>T (NM_000068.4, NM_023035.3).
Identifiers: ClinVar variation 3339575 (VCV003339575.1).

ClinVar aggregate classification (germline): Likely benign (1 of 4 stars; one submission).

gnomAD v4.1: 6 of 1,557,810 alleles (0.00039%); highest among the groups gnomAD compares: Non-Finnish European, 0.00035%; no homozygotes.

Submission:

Women's Health and Genetics/Laboratory Corporation of America, LabCorp
Classification: Likely benign. Last evaluated: 2024-06-12. Review status: criteria provided, single submitter. Criteria: LabCorp Variant Classification Summary - May 2015. Collection method: clinical testing. Allele origin: germline.
Comment: Variant summary: CACNA1A c.4253+16C>T alters a non-conserved nucleotide located at a position not widely known to affect splicing. Consensus agreement among computation tools predict no significant impact on normal splicing. However, these predictions have yet to be confirmed by functional studies. The frequency data for this variant in gnomAD is considered unreliable, as metrics indicate poor data quality at this position. To our knowledge, no occurrence of c.4253+16C>T in individuals affected with Epileptic Encephalopathy, Early Infantile, 42 and no experimental evidence demonstrating its impact on protein function have been reported. No submitters have cited clinical-significance assessments for this variant to ClinVar. Based on the evidence outlined above, the variant was classified as likely benign.